The following is an entry in ClinVar:

NC_000015.9:g.(?_50731271)_(54025330_?)dup

Genes: AP4E1 (adaptor related protein complex 4 subunit epsilon 1; plus strand), ARPP19 (cAMP regulated phosphoprotein 19; minus strand), ATOSA (atos homolog A; minus strand), BCL2L10 (BCL2 like 10; minus strand), CYP19A1 (cytochrome P450 family 19 subfamily A member 1; minus strand) and 18 more. Cytogenetic location: 15q21.2-21.3.
Variant type: Duplication.
Identifiers: ClinVar variation 2423931 (VCV002423931.3).

ClinVar aggregate classification (germline): Uncertain significance (1 of 4 stars; one submission).

Submission:

Labcorp Genetics (formerly Invitae), Labcorp
Classification: Uncertain significance. Last evaluated: 2022-02-03. Review status: criteria provided, single submitter. Criteria: Invitae Variant Classification Sherloc (09022015). Collection method: clinical testing. Allele origin: germline.
Comment: In summary, the available evidence is currently insufficient to determine the role of this variant in disease. Therefore, it has been classified as a Variant of Uncertain Significance. This variant has not been reported in the literature in individuals affected with DMXL2-related conditions. A copy number gain of the genomic region encompassing the full coding sequence of the DMXL2 gene has been identified. The boundaries of this event are unknown as they extend beyond the assayed region for this gene and therefore may encompass additional genes. As the precise location of this event is unknown, it may be in tandem or it may be located elsewhere in the genome.